The following is an entry in ClinVar:

NC_000022.11:g.26483998GAGAGAGGCGGCGCCCCGGGG[1]

Genes: HPS4 (HPS4 biogenesis of lysosomal organelles complex 3 subunit 2; minus strand), SRRD (SRR1 domain containing; plus strand), LOC130067148 (ATAC-STARR-seq lymphoblastoid silent region 13569; plus strand). Cytogenetic location: 22q12.1.
Variant type: Microsatellite.
Molecular consequence: inframe deletion (on NM_001013694.3).
Genome position: GRCh38 VCF-style: chr22-26483980-GGAGGCGGCGCCCCGGGGGAGA-G. GRCh37 (hg19) VCF-style: chr22-26879946-GGAGGCGGCGCCCCGGGGGAGA-G.
Other names: c.108GAGAGAGGCGGCGCCCCGGGG[1], p.30REAAPRG[2] (NM_001013694.3).
Identifiers: ClinVar variation 402950 (VCV000402950.6), dbSNP rs66831137, ClinGen allele CA10163887.
Genomic context (GRCh38, chr22:26,483,980, plus strand): 5'-ATCCTGGCAGGCGGCGGCTCCGCGGAAGAGGCGCTCCGCGGCTCGACGGCCGCGGCGGAG[GGAGGCGGCGCCCCGGGGGAGA>G]GAGGCGGCGCCCCGGGGGAGAGAGGCGGCGCCCCGGGGCCCCGAGGCGGAGTTCGAGTCT-3'

ClinVar aggregate classification (germline): Benign (1 of 4 stars; one submission).

Submission:

Laboratory for Molecular Medicine, Mass General Brigham Personalized Medicine
Classification: Benign. Last evaluated: 2016-03-29. Review status: criteria provided, single submitter. Criteria: LMM Criteria. Collection method: clinical testing. Allele origin: germline.
Comment: Variant identified in a genome or exome case(s) and assessed due to predicted null impact of the variant or pathogenic assertions in the literature or databases. Disclaimer: This variant has not undergone full assessment. The following are preliminary notes: MAF